The following is an entry in ClinVar:

NM_022168.4(IFIH1):c.340T>A (p.Tyr114Asn)

Gene: IFIH1 (interferon induced with helicase C domain 1; minus strand). Cytogenetic location: 2q24.2.
Variant type: single nucleotide variant.
Coding change: c.340T>A on transcript NM_022168.4 (MANE Select); coding-DNA position 340, T replaced by A.
Protein change: p.Tyr114Asn; replaces tyrosine 114 with asparagine.
Molecular consequence: missense variant.
Genome position (GRCh38, 1-based): chr2:162,317,968, A>T on the plus strand (T>A on the coding strand, the complement: IFIH1 is on the minus strand). VCF-style: chr2-162317968-A-T. GRCh37 (hg19) VCF-style: chr2-163174478-A-T.
Other names: short protein forms Y114N.
Identifiers: ClinVar variation 2931514 (VCV002931514.3), dbSNP rs375948298, ClinGen allele CA1934853.

ClinVar aggregate classification (germline): Uncertain significance (1 of 4 stars; one submission).

Conditions:
Singleton-Merten syndrome 1 (SGMRT1). Also called: Widened medullary cavities of bone, aortic calcification, abnormal dentition, and muscular weakness; Syndrome of widened medullary cavities of the metacarpals and phalanges, aortic calcification and abnormal dentition. Identifiers: Orphanet 85191, MedGen C4225427, MONDO:0024535, OMIM 182250.
Aicardi-Goutieres syndrome 7 (AGS7). Identifiers: Orphanet 51, MedGen C3888244, MONDO:0014367, OMIM 615846.

Allele frequency attached by ClinVar (database versions not stated): gnomAD exomes below 0.00001; ExAC 0.00001; gnomAD 0.00001; ESP Exome Variant Server 0.00008.
gnomAD v4.1: 8 of 1,614,076 alleles (0.0005%); no homozygotes.

Submission:

Labcorp Genetics (formerly Invitae), Labcorp
Classification: Uncertain significance for Aicardi-Goutieres syndrome 7; Singleton-Merten syndrome 1. Last evaluated: 2024-05-23. Review status: criteria provided, single submitter. Criteria: Invitae Variant Classification Sherloc (09022015). Collection method: clinical testing. Allele origin: germline.
Comment: This sequence change replaces tyrosine, which is neutral and polar, with asparagine, which is neutral and polar, at codon 114 of the IFIH1 protein (p.Tyr114Asn). This variant is present in population databases (rs375948298, gnomAD 0.03%). This variant has not been reported in the literature in individuals affected with IFIH1-related conditions. Advanced modeling of protein sequence and biophysical properties (such as structural, functional, and spatial information, amino acid conservation, physicochemical variation, residue mobility, and thermodynamic stability) has been performed at Invitae for this missense variant, however the output from this modeling did not meet the statistical confidence thresholds required to predict the impact of this variant on IFIH1 protein function. In summary, the available evidence is currently insufficient to determine the role of this variant in disease. Therefore, it has been classified as a Variant of Uncertain Significance.